The following is an entry in ClinVar:

ClinVar aggregate classification (germline): Uncertain significance (1 of 4 stars; one submission).

Conditions:
DLG4-Related Synaptopathy. Identifiers: MedGen C6006677.

Allele frequency attached by ClinVar (database versions not stated): ExAC 0.00001; gnomAD exomes 0.00001.
gnomAD v4.1: 12 of 1,485,514 alleles (0.00081%); highest among the groups gnomAD compares: Non-Finnish European, 0.0011%; no homozygotes.

Submission:

Illumina Laboratory Services, Illumina
Classification: Uncertain significance for DLG4-related synaptopathy. Last evaluated: 2021-02-19. Review status: criteria provided, single submitter. Criteria: ICSLVariantClassificationCriteria RUGD 01 April 2020. Collection method: clinical testing. Allele origin: unknown.
Comment: The DLG4 c.2090C>T (p.Ser697Phe) variant is a missense variant. A literature search was performed for the gene, cDNA change, and amino acid change. No publications were found based on this search. This variant is reported at a frequency of 0.000013 in the European (non-Finnish) population of the Genome Aggregation Database. However, this frequency is based on one allele in a region of good sequence coverage, so the variant is presumed to be rare. The p.Ser697Phe variant is located at a conserved residue in the guanylate kinase-like domain of the PSD-95 protein. In silico tools consistently predict a functional effect of this variant, but these predictions have not been tested experimentally. Based on the available evidence, the p.Ser697Phe variant is classified as a variant of uncertain significance for DLG4-related synaptopathy.

NM_001321075.3(DLG4):c.1961C>T (p.Ser654Phe)

Gene: DLG4 (discs large MAGUK scaffold protein 4; minus strand). Cytogenetic location: 17p13.1.
Variant type: single nucleotide variant.
Coding change: c.1961C>T on transcript NM_001321075.3 (MANE Select); coding-DNA position 1961, C replaced by T.
Protein change: p.Ser654Phe; replaces serine 654 with phenylalanine.
Molecular consequence: missense variant.
Genome position (GRCh38, 1-based): chr17:7,191,908, G>A on the plus strand (C>T on the coding strand, the complement: DLG4 is on the minus strand). VCF-style: chr17-7191908-G-A. GRCh37 (hg19) VCF-style: chr17-7095227-G-A.
Other names: c.2090C>T, p.Ser697Phe (NM_001365.5); c.1880C>T, p.Ser627Phe (NM_001369566.3); c.1952C>T, p.Ser651Phe (NM_001128827.4); c.2081C>T, p.Ser694Phe (NM_001321074.1); c.1781C>T, p.Ser594Phe (NM_001321076.3, NM_001321077.3); short protein forms S594F, S627F, S651F, S654F, S694F, S697F.
Identifiers: ClinVar variation 1199223 (VCV001199223.4), dbSNP rs752934560, ClinGen allele CA8336796.
Genomic context (GRCh38, chr17:7,191,908, plus strand): 5'-CAGGTGTTGGGGGAGCAAAGGGGAGGCCCCCAGGACCATACTCACAGCACATTCTCCAGG[G>A]AGCGGGGGCGGATGAAGATGGCGATGGGGTGCAGGTGGGCCGCCTGCAGCCGCCGCACGG-3'
Protein context (NP_001308004.1, residues 644-664): HPIAIFIRPR[Ser654Phe]LENVLEINKR